The following is an entry in ClinVar:

NM_004706.4(ARHGEF1):c.1917+3G>A

Gene: ARHGEF1 (Rho guanine nucleotide exchange factor 1; plus strand). Cytogenetic location: 19q13.2.
Variant type: single nucleotide variant.
Coding change: c.1917+3G>A on transcript NM_004706.4 (MANE Select); 3 bases into the intron after coding-DNA position 1917, G replaced by A.
Molecular consequence: intron variant.
Genome position (GRCh38, 1-based): chr19:41,903,787, G>A. VCF-style: chr19-41903787-G-A. GRCh37 (hg19) VCF-style: chr19-42407939-G-A.
Other names: c.1917+3G>A (NM_001396003.1, NM_001396006.1); c.1818+3G>A (NM_001396002.1, NM_198977.2, NM_001396004.1); c.2085+3G>A (NM_001396000.1); c.1962+3G>A (NM_199002.2).
Identifiers: ClinVar variation 4696992 (VCV004696992.1).

ClinVar aggregate classification (germline): Uncertain significance (1 of 4 stars; one submission).

gnomAD v4.1: 16 of 1,612,914 alleles (0.00099%); highest among the groups gnomAD compares: South Asian, 0.013%; no homozygotes.

Submission:

Labcorp Genetics (formerly Invitae), Labcorp
Classification: Uncertain significance. Last evaluated: 2025-12-31. Review status: criteria provided, single submitter. Criteria: Invitae Variant Classification Sherloc (09022015). Collection method: clinical testing. Allele origin: germline.
Comment: This sequence change falls in intron 20 of the ARHGEF1 gene. It does not directly change the encoded amino acid sequence of the ARHGEF1 protein. It affects a nucleotide within the consensus splice site. This variant is present in population databases (rs561111395, gnomAD 0.02%). This variant has not been reported in the literature in individuals affected with ARHGEF1-related conditions. Variants that disrupt the consensus splice site are a relatively common cause of aberrant splicing (PMID: 17576681, 9536098). Algorithms developed to predict the effect of sequence changes on RNA splicing suggest that this variant is not likely to affect RNA splicing. In summary, the available evidence is currently insufficient to determine the role of this variant in disease. Therefore, it has been classified as a Variant of Uncertain Significance.

Literature cited by the submitters: PubMed 17576681; PubMed 9536098.